The following is an entry in ClinVar:

ClinVar aggregate classification (germline): Uncertain significance (1 of 4 stars; one submission).

Allele frequency attached by ClinVar (database versions not stated): gnomAD 0.00001; TOPMed 0.00001.
gnomAD v4.1: 2 of 1,585,140 alleles (0.00013%); highest among the groups gnomAD compares: Non-Finnish European, 0.00017%; no homozygotes.

Submission:

GeneDx
Classification: Uncertain significance. Last evaluated: 2019-07-10. Review status: criteria provided, single submitter. Criteria: GeneDx Variant Classification Process June 2021. Collection method: clinical testing. Allele origin: germline. Affected: yes.
Comment: Not observed in large population cohorts (Lek et al., 2016); In silico analysis, which includes protein predictors and evolutionary conservation, supports that this variant does not alter protein structure/function; Has not been previously published as pathogenic or benign to our knowledge

NM_003560.4(PLA2G6):c.2410C>T (p.Leu804Phe)

Gene: PLA2G6 (phospholipase A2 group VI; minus strand). Cytogenetic location: 22q13.1.
Variant type: single nucleotide variant.
Coding change: c.2410C>T on transcript NM_003560.4 (MANE Select); coding-DNA position 2410, C replaced by T.
Protein change: p.Leu804Phe; replaces leucine 804 with phenylalanine.
Molecular consequence: missense variant.
Genome position (GRCh38, 1-based): chr22:38,112,172, G>A on the plus strand (C>T on the coding strand, the complement: PLA2G6 is on the minus strand). VCF-style: chr22-38112172-G-A. GRCh37 (hg19) VCF-style: chr22-38508179-G-A.
Other names: c.2248C>T, p.Leu750Phe (NM_001004426.3, NM_001199562.3, NM_001349865.2 and 1 more transcripts); c.2410C>T, p.Leu804Phe (NM_001349864.2); c.1876C>T, p.Leu626Phe (NM_001349867.2); c.1732C>T, p.Leu578Phe (NM_001349868.2); c.1714C>T, p.Leu572Phe (NM_001349869.2); short protein forms L572F, L578F, L626F, L750F, L804F.
Identifiers: ClinVar variation 1307176 (VCV001307176.2), dbSNP rs868205860, ClinGen allele CA324177381.